The following is an entry in ClinVar:

NM_015047.3(EMC1):c.2669G>T (p.Ser890Ile)

Genes: EMC1 (ER membrane protein complex subunit 1; minus strand), EMC1-AS1 (EMC1 antisense RNA 1; plus strand). Cytogenetic location: 1p36.13.
Variant type: single nucleotide variant.
Coding change: c.2669G>T on transcript NM_015047.3 (MANE Select); coding-DNA position 2669, G replaced by T.
Protein change: p.Ser890Ile; replaces serine 890 with isoleucine.
Molecular consequence: missense variant.
Genome position (GRCh38, 1-based): chr1:19,220,767, C>A on the plus strand (G>T on the coding strand, the complement: EMC1 is on the minus strand). VCF-style: chr1-19220767-C-A. GRCh37 (hg19) VCF-style: chr1-19547261-C-A.
Other names: c.2666G>T, p.Ser889Ile (NM_001271427.2, NM_001271428.2); c.2603G>T, p.Ser868Ile (NM_001271429.2); c.2678G>T, p.Ser893Ile (NM_001375820.1); c.2675G>T, p.Ser892Ile (NM_001375821.1); short protein forms S890I, S868I, S892I, S889I, S893I.
Identifiers: ClinVar variation 2836519 (VCV002836519.3), dbSNP rs2536649057, ClinGen allele CA338751434.

ClinVar aggregate classification (germline): Uncertain significance (1 of 4 stars; one submission).

Submission:

Labcorp Genetics (formerly Invitae), Labcorp
Classification: Uncertain significance. Last evaluated: 2023-02-11. Review status: criteria provided, single submitter. Criteria: Invitae Variant Classification Sherloc (09022015). Collection method: clinical testing. Allele origin: germline.
Comment: This variant has not been reported in the literature in individuals affected with EMC1-related conditions. This variant is not present in population databases (gnomAD no frequency). This sequence change replaces serine, which is neutral and polar, with isoleucine, which is neutral and non-polar, at codon 890 of the EMC1 protein (p.Ser890Ile). Advanced modeling of protein sequence and biophysical properties (such as structural, functional, and spatial information, amino acid conservation, physicochemical variation, residue mobility, and thermodynamic stability) has been performed at Invitae for this missense variant, however the output from this modeling did not meet the statistical confidence thresholds required to predict the impact of this variant on EMC1 protein function. In summary, the available evidence is currently insufficient to determine the role of this variant in disease. Therefore, it has been classified as a Variant of Uncertain Significance.